The following is an entry in ClinVar:

ClinVar aggregate classification (germline): Pathogenic. Review status: criteria provided, multiple submitters, no conflicts (2 of 4 stars). 3 submissions from 3 submitters: Pathogenic (3). Last evaluated 2026-01-22.

Conditions:
Hereditary cancer-predisposing syndrome. Also called: Tumor predisposition; Hereditary Cancer Syndrome; Neoplastic Syndromes, Hereditary; Hereditary neoplastic syndrome. Identifiers: Orphanet 140162, MedGen C0027672, MeSH D009386, MONDO:0015356.
Carney complex, type 1 (CNC1). Also called: CARNEY COMPLEX, TYPE I; CARNEY MYXOMA-ENDOCRINE COMPLEX. Identifiers: Orphanet 1359, MedGen C2607929, MONDO:0008057, OMIM 160980.

Submissions (3):

Ambry Genetics
Classification: Pathogenic for Hereditary cancer-predisposing syndrome. Last evaluated: 2026-01-22. Review status: criteria provided, single submitter. Criteria: Ambry Variant Classification Scheme 2023. Collection method: clinical testing. Allele origin: germline.
Comment: The p.R97* pathogenic mutation (also known as c.289C>T), located in coding exon 2 of the PRKAR1A gene, results from a C to T substitution at nucleotide position 289. This changes the amino acid from an arginine to a stop codon within coding exon 2. This variant was reported in individual(s) with features consistent with PRKAR1A-related Carney complex (Anderson WJ et al. Histopathology, 2022 Mar;80:677-685). This variant is considered to be rare based on population cohorts in the Genome Aggregation Database (gnomAD). This alteration is expected to result in loss of function by premature protein truncation or nonsense-mediated mRNA decay. Loss-of-function variants subject to nonsense mediated decay (NMD) in PRKAR1A are known to cause Carney complex; however, such associations with acrodysostosis have not been reported (Michot. et al. Eur J Hum Genet 26, 1611&ndash;1622 (2018); Bertherat J et al. J Clin Endocrinol Metab. 2009 Jun;94(6):2085-91; Jafari N et al. Proc Natl Acad Sci U S A. 2021 May 25;118(21):e2024716118). Based on the supporting evidence, this variant is pathogenic for Carney complex; however, the association of this variant with acrodysostosis is unlikely.

Labcorp Genetics (formerly Invitae), Labcorp
Classification: Pathogenic for Carney complex, type 1. Last evaluated: 2018-07-16. Review status: criteria provided, single submitter. Criteria: Invitae Variant Classification Sherloc (09022015). Collection method: clinical testing. Allele origin: germline.
Comment: Loss-of-function variants in PRKAR1A are known to be pathogenic (PMID: 11115848, 19293268). This sequence change creates a premature translational stop signal (p.Arg97*) in the PRKAR1A gene. It is expected to result in an absent or disrupted protein product. This variant is not present in population databases (ExAC no frequency). This variant has been observed in an individual affected with Carney complex (PMID: 15371594, 20358582). This variant is also known as C376T in the literature. ClinVar contains an entry for this variant (Variation ID: 523771). For these reasons, this variant has been classified as Pathogenic.

GeneDx
Classification: Pathogenic. Last evaluated: 2018-04-16. Review status: criteria provided, single submitter. Criteria: GeneDx Variant Classification (06012015). Collection method: clinical testing. Allele origin: germline. Affected: yes.
Comment: The R97X nonsense variant has been reported previously as c.376 C>T in association with Carney Complex (Veugelers et al., 2004). This variant is predicted to cause loss of normal protein function either through protein truncation or nonsense-mediated mRNA decay. The variant is not observed in large population cohorts (Lek et al., 2016). In summary, this variant is pathogenic and consistent with the diagnosis of Carney Complex in this individual.

Literature cited by the submitters: PubMed 34780072 (cited by Ambry Genetics); PubMed 11115848 (cited by Labcorp Genetics (formerly Invitae), Labcorp); PubMed 19293268 (cited by Labcorp Genetics (formerly Invitae), Labcorp); PubMed 15371594 (cited by Labcorp Genetics (formerly Invitae), Labcorp); PubMed 20358582 (cited by Labcorp Genetics (formerly Invitae), Labcorp).

NM_002734.5(PRKAR1A):c.289C>T (p.Arg97Ter)

Gene: PRKAR1A (protein kinase cAMP-dependent type I regulatory subunit alpha; plus strand). Cytogenetic location: 17q24.2.
Variant type: single nucleotide variant.
Coding change: c.289C>T on transcript NM_002734.5 (MANE Select); coding-DNA position 289, C replaced by T.
Protein change: p.Arg97Ter; replaces arginine 97 with a stop codon.
Molecular consequence: nonsense.
Genome position (GRCh38, 1-based): chr17:68,522,867, C>T. VCF-style: chr17-68522867-C-T. GRCh37 (hg19) VCF-style: chr17-66519008-C-T.
Other names: c.289C>T, p.Arg97Ter (NM_001276289.2, NM_001276290.1, NM_001278433.2 and 4 more transcripts); short protein forms R97*.
Identifiers: ClinVar variation 523771 (VCV000523771.11), dbSNP rs1555813217, ClinGen allele CA400752394.